The following is an entry in ClinVar:

ClinVar aggregate classification (germline): Uncertain significance. Review status: criteria provided, multiple submitters, no conflicts (2 of 4 stars). 2 submissions from 2 submitters: Uncertain significance (2). Last evaluated 2025-04-03.

Conditions:
Inborn genetic diseases. Identifiers: MedGen C0950123, MeSH D030342.

Allele frequency attached by ClinVar (database versions not stated): TOPMed 0.00001; ExAC 0.00001; gnomAD 0.00001; gnomAD exomes 0.00002.
gnomAD v4.1: 15 of 1,613,786 alleles (0.00093%); highest among the groups gnomAD compares: East Asian, 0.0022%; no homozygotes.

Submissions (2):

Ambry Genetics
Classification: Uncertain significance for Inborn genetic diseases. Last evaluated: 2025-04-03. Review status: criteria provided, single submitter. Criteria: Ambry Variant Classification Scheme 2023. Collection method: clinical testing. Allele origin: germline.

Labcorp Genetics (formerly Invitae), Labcorp
Classification: Uncertain significance. Last evaluated: 2023-05-08. Review status: criteria provided, single submitter. Criteria: Invitae Variant Classification Sherloc (09022015). Collection method: clinical testing. Allele origin: germline.
Comment: In summary, the available evidence is currently insufficient to determine the role of this variant in disease. Therefore, it has been classified as a Variant of Uncertain Significance. Advanced modeling of protein sequence and biophysical properties (such as structural, functional, and spatial information, amino acid conservation, physicochemical variation, residue mobility, and thermodynamic stability) has been performed at Invitae for this missense variant, however the output from this modeling did not meet the statistical confidence thresholds required to predict the impact of this variant on DOCK6 protein function. ClinVar contains an entry for this variant (Variation ID: 1921165). This variant has not been reported in the literature in individuals affected with DOCK6-related conditions. This variant is present in population databases (rs780857718, gnomAD 0.02%). This sequence change replaces glutamic acid, which is acidic and polar, with lysine, which is basic and polar, at codon 1907 of the DOCK6 protein (p.Glu1907Lys).

NM_020812.4(DOCK6):c.5719G>A (p.Glu1907Lys)

Gene: DOCK6 (dedicator of cytokinesis 6; minus strand). Cytogenetic location: 19p13.2.
Variant type: single nucleotide variant.
Coding change: c.5719G>A on transcript NM_020812.4 (MANE Select); coding-DNA position 5719, G replaced by A.
Protein change: p.Glu1907Lys; replaces glutamic acid 1907 with lysine.
Molecular consequence: missense variant.
Genome position (GRCh38, 1-based): chr19:11,201,022, C>T on the plus strand (G>A on the coding strand, the complement: DOCK6 is on the minus strand). VCF-style: chr19-11201022-C-T. GRCh37 (hg19) VCF-style: chr19-11311698-C-T.
Other names: c.5824G>A, p.Glu1942Lys (NM_001367830.1); c.5719G>A (NM_020812.2); short protein forms E1907K, E1942K.
Identifiers: ClinVar variation 1921165 (VCV001921165.5), dbSNP rs780857718, ClinGen allele CA9206356.